The following is an entry in ClinVar:

NM_001105206.3(LAMA4):c.3472G>A (p.Val1158Ile)

Gene: LAMA4 (laminin subunit alpha 4; minus strand). Cytogenetic location: 6q21.
Variant type: single nucleotide variant.
Coding change: c.3472G>A on transcript NM_001105206.3 (MANE Select); coding-DNA position 3472, G replaced by A.
Protein change: p.Val1158Ile; replaces valine 1158 with isoleucine.
Molecular consequence: missense variant.
Genome position (GRCh38, 1-based): chr6:112,134,552, C>T on the plus strand (G>A on the coding strand, the complement: LAMA4 is on the minus strand). VCF-style: chr6-112134552-C-T. GRCh37 (hg19) VCF-style: chr6-112455754-C-T.
Other names: c.3451G>A, p.Val1151Ile (NM_001105207.3, NM_002290.5); short protein forms V1158I, V1151I.
Identifiers: ClinVar variation 2700580 (VCV002700580.3), dbSNP rs2547008551, ClinGen allele CA365377065.

ClinVar aggregate classification (germline): Uncertain significance (1 of 4 stars; one submission).

Conditions:
Dilated cardiomyopathy 1JJ (CMD1JJ). Identifiers: Orphanet 154, MedGen C3808935, MONDO:0014095, OMIM 615235.

Submission:

Labcorp Genetics (formerly Invitae), Labcorp
Classification: Uncertain significance for Dilated cardiomyopathy 1JJ. Last evaluated: 2025-02-03. Review status: criteria provided, single submitter. Criteria: Invitae Variant Classification Sherloc (09022015). Collection method: clinical testing. Allele origin: germline.
Comment: This sequence change replaces valine, which is neutral and non-polar, with isoleucine, which is neutral and non-polar, at codon 1151 of the LAMA4 protein (p.Val1151Ile). This variant is not present in population databases (gnomAD no frequency). This variant has not been reported in the literature in individuals affected with LAMA4-related conditions. ClinVar contains an entry for this variant (Variation ID: 2700580). An algorithm developed to predict the effect of missense changes on protein structure and function (PolyPhen-2) suggests that this variant is likely to be tolerated. In summary, the available evidence is currently insufficient to determine the role of this variant in disease. Therefore, it has been classified as a Variant of Uncertain Significance.